The following is an entry in ClinVar:

ClinVar aggregate classification (germline): Pathogenic (0 of 4 stars; one submission).

Conditions:
Microcephaly 3, primary, autosomal recessive. Identifiers: Orphanet 2512, MedGen C1858108, MONDO:0011488, OMIM 604804.

Submission:

Department of Medical Genetics, Kayseri City Hospital
Classification: Pathogenic for Microcephaly 3, primary, autosomal recessive. Last evaluated: 2024-08-01. Review status: no assertion criteria provided. Collection method: clinical testing. Allele origin: paternal. Inheritance: Autosomal recessive inheritance. Affected: yes. Observed: 1 compound heterozygote.
Comment: This variant is predicted to cause premature termination of the protein (p. Gln1154Ter) and the truncated protein is likely to lack the EB1, SMC, CDK5R1, and pericentrin/CM2 Golgi domains of the protein [PMID: 23587236]; this will likely result in loss-of-function. The variant seems to be a novel variant, as it has not been previously reported in population databases or in the literature. Several other nonsense variants lying downstream of the variant, have been reported as pathogenic in the ClinVar database with respect to Primary autosomal recessive microcephaly 3.

NM_018249.6(CDK5RAP2):c.3460C>T (p.Gln1154Ter)

Gene: CDK5RAP2 (CDK5 regulatory subunit associated protein 2; minus strand). Cytogenetic location: 9q33.2.
Variant type: single nucleotide variant.
Coding change: c.3460C>T on transcript NM_018249.6 (MANE Select); coding-DNA position 3460, C replaced by T.
Protein change: p.Gln1154Ter; replaces glutamine 1154 with a stop codon.
Molecular consequence: nonsense. On other transcripts: non-coding transcript variant (5).
Genome position (GRCh38, 1-based): chr9:120,439,661, G>A on the plus strand (C>T on the coding strand, the complement: CDK5RAP2 is on the minus strand). VCF-style: chr9-120439661-G-A. GRCh37 (hg19) VCF-style: chr9-123201939-G-A.
Other names: p.Q1154*; c.3460C>T, p.Gln1154Ter (NM_001011649.3); c.2770C>T, p.Gln924Ter (NM_001272039.2); c.3361C>T, p.Gln1121Ter (NM_001410992.1); c.3364C>T, p.Gln1122Ter (NM_001410993.1); c.3457C>T, p.Gln1153Ter (NM_001410994.1); short protein forms Q1121*, Q1122*, Q1153*, Q1154*, Q924*.
Identifiers: ClinVar variation 3336693 (VCV003336693.2).
Genomic context (GRCh38, chr9:120,439,661, plus strand): 5'-AACTTGAAAAGGTCATTTCTTCCCCATCAGAACCATTCTTGGGCTTGCTCAAGCCATCCT[G>A]GGCCCCTTCTGTCCCACACAAAACTGTAATTATGGCCTCACTGCACTGGGAGTGCTTTTG-3'